The following is an entry in ClinVar:

ClinVar aggregate classification (germline): Uncertain significance (1 of 4 stars; one submission).

Conditions:
Hereditary cancer-predisposing syndrome. Also called: Neoplastic Syndromes, Hereditary; Tumor predisposition; Hereditary Cancer Syndrome; Hereditary neoplastic syndrome. Identifiers: Orphanet 140162, MedGen C0027672, MeSH D009386, MONDO:0015356.

Submission:

Ambry Genetics
Classification: Uncertain significance for Hereditary cancer-predisposing syndrome. Last evaluated: 2022-07-19. Review status: criteria provided, single submitter. Criteria: Ambry Variant Classification Scheme 2023. Collection method: clinical testing. Allele origin: germline.
Comment: The p.A564T variant (also known as c.1690G>A), located in coding exon 14 of the MRE11A gene, results from a G to A substitution at nucleotide position 1690. The alanine at codon 564 is replaced by threonine, an amino acid with similar properties. This amino acid position is conserved. In addition, this alteration is predicted to be tolerated by in silico analysis. Since supporting evidence is limited at this time, the clinical significance of this alteration remains unclear.

NM_005591.4(MRE11):c.1690G>A (p.Ala564Thr)

Gene: MRE11 (MRE11 double strand break repair nuclease; minus strand). Cytogenetic location: 11q21.
Variant type: single nucleotide variant.
Coding change: c.1690G>A on transcript NM_005591.4 (MANE Select); coding-DNA position 1690, G replaced by A.
Protein change: p.Ala564Thr; replaces alanine 564 with threonine.
Molecular consequence: missense variant.
Genome position (GRCh38, 1-based): chr11:94,447,312, C>T on the plus strand (G>A on the coding strand, the complement: MRE11 is on the minus strand). VCF-style: chr11-94447312-C-T. GRCh37 (hg19) VCF-style: chr11-94180478-C-T.
Other names: c.1690G>A, p.Ala564Thr (NM_001330347.2, NM_005590.4); short protein forms A564T.
Identifiers: ClinVar variation 1799755 (VCV001799755.2), dbSNP rs1945962844, ClinGen allele CA382368320.